The following is an entry in ClinVar:

NM_001324144.2(ZNF41):c.73-42A>C

Gene: ZNF41 (zinc finger protein 41; minus strand). Cytogenetic location: Xp11.3.
Variant type: single nucleotide variant.
Coding change: c.73-42A>C on transcript NM_001324144.2 (MANE Select); 42 bases into the intron before coding-DNA position 73, A replaced by C.
Molecular consequence: intron variant. On other transcripts: splice acceptor variant (4).
Genome position (GRCh38, 1-based): chrX:47,456,440, T>G on the plus strand (A>C on the coding strand, the complement: ZNF41 is on the minus strand). VCF-style: chrX-47456440-T-G. GRCh37 (hg19) VCF-style: chrX-47315839-T-G.
Other names: IVS2AS, A-C, -42; c.-186-42A>C (NM_001324139.2, NM_001324141.2, NM_001324152.2 and 1 more transcripts); c.73-42A>C (NM_001324147.2, NM_001324140.2, NM_001324150.2 and 3 more transcripts); c.-202-26A>C (NM_001324145.2); c.-226-2A>C (NM_001324149.2); c.63-26A>C (NM_001324142.2, NM_001324148.2, NM_001324156.1); c.63-2A>C (NM_001324153.2, NM_001324151.2); c.159-26A>C (NM_001324154.1); and 1 more.
Identifiers: ClinVar variation 9761 (VCV000009761.27), dbSNP rs201140907, ClinGen allele CA229253.

ClinVar aggregate classification (germline): Likely benign. Review status: criteria provided, single submitter (1 of 4 stars). 3 submissions from 3 submitters: Likely benign (1). 2 of the submissions do not count toward it. Last evaluated 2025-01-01.

Conditions:
ZNF41-related disorder. Also called: ZNF41-related condition.

Allele frequency attached by ClinVar (database versions not stated): gnomAD exomes 0.00065; ExAC 0.00068; gnomAD 0.00110 and 0.00122; TOPMed 0.00129; ESP Exome Variant Server 0.00133.
gnomAD v4.1: 600 of 1,208,674 alleles (0.05%); highest among the groups gnomAD compares: African/African-American, 0.29%; 1 homozygote.

Submissions (3):

CeGaT Center for Human Genetics Tuebingen
Classification: Likely benign. Last evaluated: 2025-01-01. Review status: criteria provided, single submitter. Criteria: CeGaT Center For Human Genetics Tuebingen Variant Classification Criteria Version 2. Collection method: clinical testing. Allele origin: germline. Affected: yes. Observed: 2 variant alleles.
Comment: ZNF41: BS1

PreventionGenetics, part of Exact Sciences
Classification: Likely benign for ZNF41-related condition. Last evaluated: 2019-11-13. Review status: no assertion criteria provided. Collection method: clinical testing. Allele origin: germline. Not counted in ClinVar's aggregate classification.
Comment: This variant is classified as likely benign based on ACMG/AMP sequence variant interpretation guidelines (Richards et al. 2015 PMID: 25741868, with internal and published modifications).

OMIM
Classification: Uncertain significance for RECLASSIFIED - VARIANT OF UNKNOWN SIGNIFICANCE. Last evaluated: 2013-08-08. Review status: no assertion criteria provided. Collection method: literature only. Allele origin: germline. Not counted in ClinVar's aggregate classification.

Literature cited by the submitters: PubMed 14628291 (cited by OMIM); PubMed 23871722 (cited by OMIM).